The following is an entry in ClinVar:

ClinVar aggregate classification (germline): Uncertain significance (1 of 4 stars; one submission).

Conditions:
Wilms tumor 1 (WT1). Also called: Wilms tumor, somatic. Identifiers: Orphanet 654, MedGen CN033288, MONDO:0008679, OMIM 194070.

Submission:

Labcorp Genetics (formerly Invitae), Labcorp
Classification: Uncertain significance for Wilms tumor 1. Last evaluated: 2021-12-24. Review status: criteria provided, single submitter. Criteria: Invitae Variant Classification Sherloc (09022015). Collection method: clinical testing. Allele origin: germline.
Comment: In summary, the available evidence is currently insufficient to determine the role of this variant in disease. Therefore, it has been classified as a Variant of Uncertain Significance. Variants that disrupt the consensus splice site are a relatively common cause of aberrant splicing (PMID: 17576681, 9536098). Algorithms developed to predict the effect of sequence changes on RNA splicing suggest that this variant is not likely to affect RNA splicing. This variant has not been reported in the literature in individuals affected with GPC3-related conditions. This variant is not present in population databases (gnomAD no frequency). This sequence change falls in intron 5 of the GPC3 gene. It does not directly change the encoded amino acid sequence of the GPC3 protein. It affects a nucleotide within the consensus splice site.

Literature cited by the submitters: PubMed 17576681; PubMed 9536098.

NM_004484.4(GPC3):c.1293-3C>T

Gene: GPC3 (glypican 3; minus strand). Cytogenetic location: Xq26.2.
Variant type: single nucleotide variant.
Coding change: c.1293-3C>T on transcript NM_004484.4 (MANE Select); 3 bases into the intron before coding-DNA position 1293, C replaced by T.
Molecular consequence: intron variant.
Genome position (GRCh38, 1-based): chrX:133,661,853, G>A on the plus strand (C>T on the coding strand, the complement: GPC3 is on the minus strand). VCF-style: chrX-133661853-G-A. GRCh37 (hg19) VCF-style: chrX-132795881-G-A.
Other names: c.1131-3C>T (NM_001164619.2); c.1245-3C>T (NM_001164618.2); c.1362-3C>T (NM_001164617.2).
Identifiers: ClinVar variation 1963859 (VCV001963859.5), dbSNP rs2521016676, ClinGen allele CA2580101534.